The following is an entry in ClinVar:

NM_001034116.2(EIF2B4):c.1399C>T (p.Arg467Trp)

Genes: EIF2B4 (eukaryotic translation initiation factor 2B subunit delta; minus strand), GTF3C2-AS2 (GTF3C2 antisense RNA 2; plus strand). Cytogenetic location: 2p23.3.
Variant type: single nucleotide variant.
Coding change: c.1399C>T on transcript NM_001034116.2 (MANE Select); coding-DNA position 1399, C replaced by T.
Protein change: p.Arg467Trp; replaces arginine 467 with tryptophan.
Molecular consequence: missense variant.
Genome position (GRCh38, 1-based): chr2:27,364,573, G>A on the plus strand (C>T on the coding strand, the complement: EIF2B4 is on the minus strand). VCF-style: chr2-27364573-G-A. GRCh37 (hg19) VCF-style: chr2-27587440-G-A.
Other names: c.1396C>T (NM_015636.3); c.1462C>T, p.Arg488Trp (NM_001318965.2); c.1354C>T, p.Arg452Trp (NM_001318966.2); c.1306C>T, p.Arg436Trp (NM_001318967.2); c.814C>T, p.Arg272Trp (NM_001318968.2); c.781C>T, p.Arg261Trp (NM_001318969.2); c.1396C>T, p.Arg466Trp (NM_015636.4); c.1459C>T, p.Arg487Trp (NM_172195.4); short protein forms R466W, R467W, R272W, R436W, R487W, R488W, R261W, R452W.
Identifiers: ClinVar variation 287459 (VCV000287459.18), dbSNP rs138249238, ClinGen allele CA1576579.

ClinVar aggregate classification (germline): Conflicting classifications of pathogenicity. Review status: criteria provided, conflicting classifications (1 of 4 stars). 7 submissions from 6 submitters: Likely pathogenic (4); Uncertain significance (3). Last evaluated 2024-09-12.

Conditions:
Leukoencephalopathy with vanishing white matter 4 (VWM4). Also called: EIF2B4-Related Childhood Ataxia with Central Nervous System Hypomyelination/Vanishing White Matter; Leukoencephalopathy with vanishing white matter 4, with or without ovarian failure. Identifiers: MedGen C5830406, MONDO:0957872, OMIM 620314.
Vanishing white matter disease. Also called: CACH syndrome; Childhood ataxia with diffuse central nervous system hypomyelination; Leukoencephalopathy with vanishing white matter; CACH/VWM syndrome; Cree leukoencehalopathy. Identifiers: Orphanet 135, Orphanet 99853, MedGen C1858991, MONDO:0800448.

Allele frequency attached by ClinVar (database versions not stated): ExAC 0.00002; gnomAD exomes 0.00003; gnomAD 0.00004; TOPMed 0.00004; ESP Exome Variant Server 0.00008.
gnomAD v4.1: 52 of 1,614,028 alleles (0.0032%); highest among the groups gnomAD compares: Non-Finnish European, 0.0031%; no homozygotes.

Submissions (7):

3billion
Classification: Likely pathogenic for Leukoencephalopathy with vanishing white matter 4. Last evaluated: 2024-09-12. Review status: criteria provided, single submitter. Criteria: ACMG Guidelines, 2015. Collection method: clinical testing. Allele origin: germline. Affected: yes.
Comment: The variant is observed at an extremely low frequency in the gnomAD v4.0.0 dataset (total allele frequency: 0.003%). Predicted Consequence/Location: Missense variant In silico tool predictions suggest damaging effect of the variant on gene or gene product [REVEL: 0.84 (>=0.6, sensitivity 0.68 and specificity 0.92)]. The same nucleotide change resulting in the same amino acid change has been previously reported to be associated with EIF2B4 related disorder (PMID: 18263758 /3billion dataset).The variant has been reported to be in trans with a pathogenic variant as either compound heterozygous or homozygous in at least one similarly affected unrelated individual (PMID: 32180488). A different missense change at the same codon (p.Arg467Gln) has been reported to be associated with EIF2B4 related disorder (PMID: 32962729). Therefore, this variant is classified as Likely pathogenic according to the recommendation of ACMG/AMP guideline.

Labcorp Genetics (formerly Invitae), Labcorp
Classification: Likely pathogenic. Last evaluated: 2024-08-29. Review status: criteria provided, single submitter. Criteria: Invitae Variant Classification Sherloc (09022015). Collection method: clinical testing. Allele origin: germline.
Comment: This sequence change replaces arginine, which is basic and polar, with tryptophan, which is neutral and slightly polar, at codon 466 of the EIF2B4 protein (p.Arg466Trp). This variant is present in population databases (rs138249238, gnomAD 0.02%). This missense change has been observed in individual(s) with clinical features of EIF2B4-related conditions (PMID: 18263758, 32180488, 34302356, 34745209; internal data). In at least one individual the data is consistent with being in trans (on the opposite chromosome) from a pathogenic variant. This variant is also known as p.R467W or p.R487W. ClinVar contains an entry for this variant (Variation ID: 287459). An algorithm developed to predict the effect of missense changes on protein structure and function (PolyPhen-2) suggests that this variant is likely to be disruptive. Experimental studies have shown that this missense change affects EIF2B4 function (PMID: 27812215). Algorithms developed to predict the effect of sequence changes on RNA splicing suggest that this variant may disrupt the consensus splice site. In summary, the currently available evidence indicates that the variant is pathogenic, but additional data are needed to prove that conclusively. Therefore, this variant has been classified as Likely Pathogenic.

Fulgent Genetics
Classification: Likely pathogenic for Leukoencephalopathy with vanishing white matter 4. Last evaluated: 2024-03-29. Review status: criteria provided, single submitter. Criteria: ACMG Guidelines, 2015. Collection method: clinical testing. Allele origin: germline.

Fulgent Genetics
Classification: Uncertain significance for Leukoencephalopathy with vanishing white matter 1. Last evaluated: 2018-10-31. Review status: criteria provided, single submitter. Criteria: ACMG Guidelines, 2015. Collection method: clinical testing. Allele origin: unknown.

Eurofins Ntd Llc (ga)
Classification: Uncertain significance. Last evaluated: 2016-04-21. Review status: criteria provided, single submitter. Criteria: EGL Classification Definitions 2015. Collection method: clinical testing. Allele origin: germline. Observed: 3 variant alleles, 3 heterozygotes.

Kasturba Medical College, Manipal, Kasturba Medical College, Manipal, Manipal Academy of Higher Education, Manipal, India
Classification: Uncertain significance for Leukoencephalopathy with vanishing white matter 1. Review status: criteria provided, single submitter. Criteria: ACMG Guidelines, 2015. Collection method: clinical testing. Allele origin: inherited. Inheritance: Autosomal recessive inheritance. Affected: yes.

Medical Genetics Laboratory, Niloo Shiraz Laboratory
Classification: Likely pathogenic for Leukoencephalopathy with vanishing white matter 4. Review status: criteria provided, single submitter. Criteria: ACMG Guidelines, 2015. Collection method: clinical testing. Allele origin: germline. Inheritance: Autosomal recessive inheritance. Affected: yes.
Comment: This change (NM_001318965, exon 12, c.C1462T, p.R488W) replaces arginine, a basic and polar amino acid, with tryptophan, which is neutral and slightly polar, in the EIF2B4 protein. Although the CADD score is somewhat low at 14.75, the mutation has relatively high REVEL and MCAP scores of 0.8 and 0.3, respectively. This variant has been submitted to ClinVar with mixed interpretations: three submitters classify it as Likely Pathogenic, while another three consider it a VUS. According to ACMG guidelines, it is currently classified as Likely Pathogenic. The mutation is rare in population databases (n=46 het), seen only in two groups in gnomAD, and is not found in the NILOO- exome database.

Literature cited by the submitters: PubMed 18263758 (cited by 3 submitters); PubMed 32180488 (cited by 3 submitters); PubMed 32962729 (cited by 3billion); PubMed 34302356 (cited by Labcorp Genetics (formerly Invitae), Labcorp); PubMed 34745209 (cited by Labcorp Genetics (formerly Invitae), Labcorp); PubMed 27812215 (cited by Labcorp Genetics (formerly Invitae), Labcorp).